The following is an entry in ClinVar:

ClinVar aggregate classification (germline): Uncertain significance (1 of 4 stars; one submission).

gnomAD v4.1: 1 of 1,613,900 alleles (0.000062%); no homozygotes.

Submission:

GeneDx
Classification: Uncertain significance. Last evaluated: 2023-05-30. Review status: criteria provided, single submitter. Criteria: GeneDx Variant Classification Process June 2021. Collection method: clinical testing. Allele origin: germline. Affected: yes.
Comment: In silico analysis supports that this missense variant has a deleterious effect on protein structure/function; Not observed at significant frequency in large population cohorts (gnomAD); Has not been previously published as pathogenic or benign to our knowledge

NM_000288.4(PEX7):c.254C>T (p.Thr85Ile)

Gene: PEX7 (peroxisomal biogenesis factor 7; plus strand). Cytogenetic location: 6q23.3.
Variant type: single nucleotide variant.
Coding change: c.254C>T on transcript NM_000288.4 (MANE Select); coding-DNA position 254, C replaced by T.
Protein change: p.Thr85Ile; replaces threonine 85 with isoleucine.
Molecular consequence: missense variant.
Genome position (GRCh38, 1-based): chr6:136,826,384, C>T. VCF-style: chr6-136826384-C-T. GRCh37 (hg19) VCF-style: chr6-137147522-C-T.
Other names: c.140C>T, p.Thr47Ile (NM_001410945.1); short protein forms T47I, T85I.
Identifiers: ClinVar variation 3361991 (VCV003361991.1).